The following is an entry in ClinVar:

ClinVar aggregate classification (germline): Uncertain significance (1 of 4 stars; one submission).

Conditions:
Retinitis pigmentosa 12 (RP12). Also called: RP WITH OR WITHOUT PPRPE; RP WITH OR WITHOUT PRESERVED PARAARTERIOLE RETINAL PIGMENT EPITHELIUM; RETINITIS PIGMENTOSA WITH OR WITHOUT PARAARTERIOLAR PRESERVATION OF RETINAL PIGMENT EPITHELIUM. Identifiers: Orphanet 791, MedGen C1838647, MONDO:0010818, OMIM 600105.
Leber congenital amaurosis 8 (LCA8). Identifiers: Orphanet 65, MedGen C3151202, MONDO:0013453, OMIM 613835.

Allele frequency attached by ClinVar (database versions not stated): gnomAD 0.00001.
gnomAD v4.1: 1 of 1,614,090 alleles (0.000062%); highest among the groups gnomAD compares: East Asian, 0.0022%; no homozygotes.

Submission:

Labcorp Genetics (formerly Invitae), Labcorp
Classification: Uncertain significance for Leber congenital amaurosis 8; Retinitis pigmentosa 12. Last evaluated: 2022-05-04. Review status: criteria provided, single submitter. Criteria: Invitae Variant Classification Sherloc (09022015). Collection method: clinical testing. Allele origin: germline.
Comment: This sequence change replaces aspartic acid, which is acidic and polar, with glutamic acid, which is acidic and polar, at codon 193 of the CRB1 protein (p.Asp193Glu). This variant is not present in population databases (gnomAD no frequency). This variant has not been reported in the literature in individuals affected with CRB1-related conditions. Advanced modeling of protein sequence and biophysical properties (such as structural, functional, and spatial information, amino acid conservation, physicochemical variation, residue mobility, and thermodynamic stability) performed at Invitae indicates that this missense variant is not expected to disrupt CRB1 protein function. In summary, the available evidence is currently insufficient to determine the role of this variant in disease. Therefore, it has been classified as a Variant of Uncertain Significance.

NM_201253.3(CRB1):c.579T>A (p.Asp193Glu)

Gene: CRB1 (crumbs cell polarity complex component 1; plus strand). Cytogenetic location: 1q31.3.
Variant type: single nucleotide variant.
Coding change: c.579T>A on transcript NM_201253.3 (MANE Select); coding-DNA position 579, T replaced by A.
Protein change: p.Asp193Glu; replaces aspartic acid 193 with glutamic acid.
Molecular consequence: missense variant. On other transcripts: non-coding transcript variant (2).
Genome position (GRCh38, 1-based): chr1:197,328,930, T>A. VCF-style: chr1-197328930-T-A. GRCh37 (hg19) VCF-style: chr1-197298060-T-A.
Other names: c.579T>A, p.Asp193Glu (NM_001193640.2, NM_001257966.2); c.372T>A, p.Asp124Glu (NM_001257965.2); short protein forms D124E, D193E.
Identifiers: ClinVar variation 2157399 (VCV002157399.1), dbSNP rs1382054822, ClinGen allele CA344081597.
Genomic context (GRCh38, chr1:197,328,930, plus strand): 5'-CTGTGTCCCAGGATATCAAGGCAGACACTGCGACTTGGAAGTGGATGAATGTGCTTCAGA[T>A]CCCTGCAAGAACGAGGCTACATGCCTCAATGAAATAGGAAGATATACTTGTATCTGTCCC-3'
Protein context (NP_957705.1, residues 183-203): CDLEVDECAS[Asp193Glu]PCKNEATCLN